The following is an entry in ClinVar:

NM_020338.4(ZMIZ1):c.454C>T (p.Pro152Ser)

Gene: ZMIZ1 (zinc finger MIZ-type containing 1; plus strand). Cytogenetic location: 10q22.3.
Variant type: single nucleotide variant.
Coding change: c.454C>T on transcript NM_020338.4 (MANE Select); coding-DNA position 454, C replaced by T.
Protein change: p.Pro152Ser; replaces proline 152 with serine.
Molecular consequence: missense variant.
Genome position (GRCh38, 1-based): chr10:79,289,803, C>T. VCF-style: chr10-79289803-C-T. GRCh37 (hg19) VCF-style: chr10-81049560-C-T.
Other names: c.454C>T (NM_020338.3); short protein forms P152S.
Identifiers: ClinVar variation 2859416 (VCV002859416.4), dbSNP rs1396205882, ClinGen allele CA377330573.

ClinVar aggregate classification (germline): Uncertain significance. Review status: criteria provided, multiple submitters, no conflicts (2 of 4 stars). 2 submissions from 2 submitters: Uncertain significance (2). Last evaluated 2025-12-21.

Conditions:
Inborn genetic diseases. Identifiers: MedGen C0950123, MeSH D030342.

Allele frequency attached by ClinVar (database versions not stated): TOPMed below 0.00001; gnomAD exomes below 0.00001.
gnomAD v4.1: 8 of 1,614,052 alleles (0.0005%); highest among the groups gnomAD compares: Middle Eastern, 0.033%; no homozygotes.

Submissions (2):

Labcorp Genetics (formerly Invitae), Labcorp
Classification: Uncertain significance. Last evaluated: 2025-12-21. Review status: criteria provided, single submitter. Criteria: Invitae Variant Classification Sherloc (09022015). Collection method: clinical testing. Allele origin: germline.
Comment: This sequence change replaces proline, which is neutral and non-polar, with serine, which is neutral and polar, at codon 152 of the ZMIZ1 protein (p.Pro152Ser). This variant is present in population databases (no rsID available, gnomAD 0.0009%). This variant has not been reported in the literature in individuals affected with ZMIZ1-related conditions. ClinVar contains an entry for this variant (Variation ID: 2859416). Invitae Evidence Modeling of protein sequence and biophysical properties (such as structural, functional, and spatial information, amino acid conservation, physicochemical variation, residue mobility, and thermodynamic stability) indicates that this missense variant is not expected to disrupt ZMIZ1 protein function with a negative predictive value of 95%. In summary, the available evidence is currently insufficient to determine the role of this variant in disease. Therefore, it has been classified as a Variant of Uncertain Significance.

Ambry Genetics
Classification: Uncertain significance for Inborn genetic diseases. Last evaluated: 2023-10-10. Review status: criteria provided, single submitter. Criteria: Ambry Variant Classification Scheme 2023. Collection method: clinical testing. Allele origin: germline.